The following is an entry in ClinVar:

NM_001673.5(ASNS):c.1611G>A (p.Trp537Ter)

Genes: ASNS (asparagine synthetase (glutamine-hydrolyzing); minus strand), CZ1P-ASNS (CZ1P-ASNS readthrough; minus strand). Cytogenetic location: 7q21.3.
Variant type: single nucleotide variant.
Coding change: c.1611G>A on transcript NM_001673.5 (MANE Select); coding-DNA position 1611, G replaced by A.
Protein change: p.Trp537Ter; replaces tryptophan 537 with a stop codon.
Molecular consequence: nonsense. On other transcripts: non-coding transcript variant (1).
Genome position (GRCh38, 1-based): chr7:97,852,334, C>T on the plus strand (G>A on the coding strand, the complement: ASNS is on the minus strand). VCF-style: chr7-97852334-C-T. GRCh37 (hg19) VCF-style: chr7-97481646-C-T.
Other names: c.1548G>A, p.Trp516Ter (NM_001178075.2); c.1362G>A, p.Trp454Ter (NM_001178076.2, NM_001178077.1); c.1611G>A, p.Trp537Ter (NM_001352496.2, NM_133436.3, NM_183356.4); short protein forms W454*, W516*, W537*.
Identifiers: ClinVar variation 4816503 (VCV004816503.1).

ClinVar aggregate classification (germline): Likely pathogenic (1 of 4 stars; one submission).

Conditions:
Congenital microcephaly - severe encephalopathy - progressive cerebral atrophy syndrome. Also called: ASNS DEFICIENCY; Asparagine synthetase deficiency. Identifiers: Orphanet 391376, MedGen C3809971, MONDO:0014258, OMIM 615574.

Submission:

Natera, Inc.
Classification: Likely pathogenic for Asparagine synthetase deficiency. Last evaluated: 2025-05-29. Review status: criteria provided, single submitter. Criteria: Natera Variant Classification Schema (03/2026). Collection method: clinical testing. Allele origin: germline.
Comment: The c.1611G>A variant in ASNS is a nonsense variant predicted to introduce a stop codon at amino acid 537. This variant is expected to result in nonsense mediated decay, truncation, or a dysfunctional protein product. This variant is rare in the general population with a frequency below the threshold expected for the associated phenotype(s). Given the available evidence, this variant is classified as Likely Pathogenic.